The following is an entry in ClinVar:

ClinVar aggregate classification (germline): Pathogenic (1 of 4 stars; one submission).

Conditions:
Bloom syndrome (BLM). Also called: Bloom-Torre-Machacek syndrome. Identifiers: Orphanet 125, MedGen C0005859, MONDO:0008876, OMIM 210900.

Allele frequency attached by ClinVar (database versions not stated): gnomAD exomes below 0.00001.

Submission:

Labcorp Genetics (formerly Invitae), Labcorp
Classification: Pathogenic for Bloom syndrome. Last evaluated: 2019-07-31. Review status: criteria provided, single submitter. Criteria: Invitae Variant Classification Sherloc (09022015). Collection method: clinical testing. Allele origin: germline.
Comment: This sequence change creates a premature translational stop signal (p.Arg836Glyfs*7) in the BLM gene. It is expected to result in an absent or disrupted protein product. For these reasons, this variant has been classified as Pathogenic. Loss-of-function variants in BLM are known to be pathogenic (PMID: 17407155). This variant has not been reported in the literature in individuals with BLM-related disease. This variant is not present in population databases (ExAC no frequency).

Literature cited by the submitters: PubMed 17407155.

NM_000057.4(BLM):c.2506del (p.Arg836fs)

Gene: BLM (BLM RecQ like helicase; plus strand). Cytogenetic location: 15q26.1.
Variant type: Deletion.
Coding change: c.2506del on transcript NM_000057.4 (MANE Select); coding-DNA position 2506, one base deleted (A; older notation c.2506delA).
Protein change: p.Arg836fs; shifts the reading frame from arginine 836.
Molecular consequence: frameshift variant.
Genome position (GRCh38, 1-based): chr15:90,769,537, A deleted. VCF-style (leftmost placement, unchanged base first): chr15-90769536-CA-C. GRCh37 (hg19) VCF-style: chr15-91312766-CA-C.
Other names: c.2506del (NM_000057.3); c.2506del, p.Arg836fs (NM_001287246.2, NM_001287247.2); c.1381del, p.Arg461fs (NM_001287248.2); short protein forms R461fs, R836fs.
Identifiers: ClinVar variation 581302 (VCV000581302.9), dbSNP rs1567045531, ClinGen allele CA891844081.